The following is an entry in ClinVar:

ClinVar aggregate classification (germline): Benign. Review status: criteria provided, single submitter (1 of 4 stars). 2 submissions from 2 submitters: Benign (1). 1 of the submissions does not count toward it. Last evaluated 2019-12-31.

Conditions:
PLAGL1-related disorder. Also called: PLAGL1-related condition.

Allele frequency attached by ClinVar (database versions not stated): gnomAD exomes 0.00223 and 0.00598; ExAC 0.00755; gnomAD 0.02347 and 0.02517; TOPMed 0.02746; 1000 Genomes Project 0.02835; ESP Exome Variant Server 0.02837; 1000 Genomes Project 30x 0.03014.
gnomAD v4.1: 7,012 of 1,614,100 alleles (0.43%); highest among the groups gnomAD compares: African/African-American, 8.2%; 280 homozygotes.

Submissions (2):

Labcorp Genetics (formerly Invitae), Labcorp
Classification: Benign. Last evaluated: 2019-12-31. Review status: criteria provided, single submitter. Criteria: Invitae Variant Classification Sherloc (09022015). Collection method: clinical testing. Allele origin: germline.

PreventionGenetics, part of Exact Sciences
Classification: Benign for PLAGL1-related condition. Last evaluated: 2019-09-25. Review status: no assertion criteria provided. Collection method: clinical testing. Allele origin: germline. Not counted in ClinVar's aggregate classification.
Comment: This variant is classified as benign based on ACMG/AMP sequence variant interpretation guidelines (Richards et al. 2015 PMID: 25741868, with internal and published modifications).

NM_001317162.2(PLAGL1):c.606T>C (p.His202=)

Gene: PLAGL1 (PLAG1 like zinc finger 1; minus strand). Cytogenetic location: 6q24.2.
Variant type: single nucleotide variant.
Coding change: c.606T>C on transcript NM_001317162.2 (MANE Select); coding-DNA position 606, T replaced by C.
Protein change: p.His202=; no amino-acid change (histidine 202 retained).
Molecular consequence: synonymous variant.
Genome position (GRCh38, 1-based): chr6:143,942,210, A>G on the plus strand (T>C on the coding strand, the complement: PLAGL1 is on the minus strand). VCF-style: chr6-143942210-A-G. GRCh37 (hg19) VCF-style: chr6-144263347-A-G.
Other names: c.606T>C, p.His202= (NM_001080951.3, NM_001080952.3, NM_001080953.3 and 14 more transcripts); c.450T>C, p.His150= (NM_001080955.3, NM_001080956.3, NM_001289037.2 and 6 more transcripts).
Identifiers: ClinVar variation 781012 (VCV000781012.6), dbSNP rs36120645, ClinGen allele CA4031416.